The following is an entry in ClinVar:

NM_020699.4(GATAD2B):c.625A>G (p.Ile209Val)

Gene: GATAD2B (GATA zinc finger domain containing 2B; minus strand). Cytogenetic location: 1q21.3.
Variant type: single nucleotide variant.
Coding change: c.625A>G on transcript NM_020699.4 (MANE Select); coding-DNA position 625, A replaced by G.
Protein change: p.Ile209Val; replaces isoleucine 209 with valine.
Molecular consequence: missense variant.
Genome position (GRCh38, 1-based): chr1:153,818,144, T>C on the plus strand (A>G on the coding strand, the complement: GATAD2B is on the minus strand). VCF-style: chr1-153818144-T-C. GRCh37 (hg19) VCF-style: chr1-153790620-T-C.
Other names: short protein forms I209V.
Identifiers: ClinVar variation 1398996 (VCV001398996.8), dbSNP rs563781893, ClinGen allele CA1120813.

ClinVar aggregate classification (germline): Uncertain significance (1 of 4 stars; one submission).

Allele frequency attached by ClinVar (database versions not stated): gnomAD 0.00001; 1000 Genomes Project 30x 0.00016; 1000 Genomes Project 0.00020.
gnomAD v4.1: 16 of 1,612,352 alleles (0.00099%); highest among the groups gnomAD compares: Admixed American, 0.013%; no homozygotes.

Submission:

Labcorp Genetics (formerly Invitae), Labcorp
Classification: Uncertain significance. Last evaluated: 2025-10-01. Review status: criteria provided, single submitter. Criteria: Invitae Variant Classification Sherloc (09022015). Collection method: clinical testing. Allele origin: germline.
Comment: This sequence change replaces isoleucine, which is neutral and non-polar, with valine, which is neutral and non-polar, at codon 209 of the GATAD2B protein (p.Ile209Val). This variant is present in population databases (rs563781893, gnomAD 0.02%). This variant has not been reported in the literature in individuals affected with GATAD2B-related conditions. ClinVar contains an entry for this variant (Variation ID: 1398996). Invitae Evidence Modeling of protein sequence and biophysical properties (such as structural, functional, and spatial information, amino acid conservation, physicochemical variation, residue mobility, and thermodynamic stability) indicates that this missense variant is not expected to disrupt GATAD2B protein function with a negative predictive value of 80%. In summary, the available evidence is currently insufficient to determine the role of this variant in disease. Therefore, it has been classified as a Variant of Uncertain Significance.